The following is an entry in ClinVar:

NM_138694.4(PKHD1):c.5585C>A (p.Ser1862Ter)

Gene: PKHD1 (PKHD1 ciliary IPT domain containing fibrocystin/polyductin; minus strand). Cytogenetic location: 6p12.2.
Variant type: single nucleotide variant.
Coding change: c.5585C>A on transcript NM_138694.4 (MANE Select); coding-DNA position 5585, C replaced by A.
Protein change: p.Ser1862Ter; replaces serine 1862 with a stop codon.
Molecular consequence: nonsense.
Genome position (GRCh38, 1-based): chr6:52,017,425, G>T on the plus strand (C>A on the coding strand, the complement: PKHD1 is on the minus strand). VCF-style: chr6-52017425-G-T. GRCh37 (hg19) VCF-style: chr6-51882223-G-T.
Other names: c.5585C>A, p.Ser1862Ter (NM_170724.3); short protein forms S1862*.
Identifiers: ClinVar variation 2961657 (VCV002961657.4), dbSNP rs147933501, ClinGen allele CA364425402.

ClinVar aggregate classification (germline): Pathogenic. Review status: criteria provided, multiple submitters, no conflicts (2 of 4 stars). 2 submissions from 2 submitters: Pathogenic (2). Last evaluated 2024-05-27.

Conditions:
Autosomal recessive polycystic kidney disease (ARPKD). Also called: AR polycystic kidney disease. Identifiers: Orphanet 731, Orphanet 8378, MedGen C0085548, MeSH D017044, MONDO:0009889.
Polycystic kidney disease 4 (PKD4). Also called: POLYCYSTIC KIDNEY AND HEPATIC DISEASE 1; POLYCYSTIC KIDNEY DISEASE, INFANTILE, TYPE I; POLYCYSTIC KIDNEY DISEASE 4 WITH OR WITHOUT POLYCYSTIC LIVER DISEASE; Autosomal Recessive Polycystic Kidney Disease – PKHD1; PKD3. Identifiers: MedGen C4540575, MONDO:0033004, OMIM 263200.

Submissions (2):

Myriad Genetics, Inc.
Classification: Pathogenic for Polycystic kidney disease 4. Last evaluated: 2024-05-27. Review status: criteria provided, single submitter. Criteria: Myriad Autosomal Dominant, Autosomal Recessive and X-Linked Classification Criteria (2023). Collection method: clinical testing. Allele origin: unknown.
Comment: NM_138694.3(PKHD1):c.5585C>A(S1862*) is expected to be pathogenic in the context of autosomal recessive polycystic kidney disease, PKHD1-related. This variant is predicted to lead to an abnormal or absent protein product due to the creation of a premature termination codon in PKHD1, a gene where loss-of-function variants are known to be pathogenic. Please note: this variant was assessed in the context of healthy population screening.

Labcorp Genetics (formerly Invitae), Labcorp
Classification: Pathogenic for Autosomal recessive polycystic kidney disease. Last evaluated: 2024-01-04. Review status: criteria provided, single submitter. Criteria: Invitae Variant Classification Sherloc (09022015). Collection method: clinical testing. Allele origin: germline.
Comment: This sequence change creates a premature translational stop signal (p.Ser1862*) in the PKHD1 gene. It is expected to result in an absent or disrupted protein product. Loss-of-function variants in PKHD1 are known to be pathogenic (PMID: 19940839). This variant is not present in population databases (gnomAD no frequency). This premature translational stop signal has been observed in individual(s) with PKHD1-related conditions (PMID: 34536170). For these reasons, this variant has been classified as Pathogenic.

Literature cited by the submitters: PubMed 19940839 (cited by Labcorp Genetics (formerly Invitae), Labcorp); PubMed 34536170 (cited by Labcorp Genetics (formerly Invitae), Labcorp).